The following is an entry in ClinVar:

NM_002296.4(LBR):c.752A>G (p.Tyr251Cys)

Gene: LBR (lamin B receptor; minus strand). Cytogenetic location: 1q42.12.
Variant type: single nucleotide variant.
Coding change: c.752A>G on transcript NM_002296.4 (MANE Select); coding-DNA position 752, A replaced by G.
Protein change: p.Tyr251Cys; replaces tyrosine 251 with cysteine.
Molecular consequence: missense variant.
Genome position (GRCh38, 1-based): chr1:225,418,069, T>C on the plus strand (A>G on the coding strand, the complement: LBR is on the minus strand). VCF-style: chr1-225418069-T-C. GRCh37 (hg19) VCF-style: chr1-225605771-T-C.
Other names: c.752A>G, p.Tyr251Cys (NM_194442.3); short protein forms Y251C.
Identifiers: ClinVar variation 2012152 (VCV002012152.4), dbSNP rs2096120831, ClinGen allele CA344998554.

ClinVar aggregate classification (germline): Uncertain significance (1 of 4 stars; one submission).

Allele frequency attached by ClinVar (database versions not stated): gnomAD exomes below 0.00001; TOPMed below 0.00001.
gnomAD v4.1: 6 of 1,614,170 alleles (0.00037%); highest among the groups gnomAD compares: South Asian, 0.0011%; no homozygotes.

Submission:

Labcorp Genetics (formerly Invitae), Labcorp
Classification: Uncertain significance. Last evaluated: 2022-06-17. Review status: criteria provided, single submitter. Criteria: Invitae Variant Classification Sherloc (09022015). Collection method: clinical testing. Allele origin: germline.
Comment: This sequence change replaces tyrosine, which is neutral and polar, with cysteine, which is neutral and slightly polar, at codon 251 of the LBR protein (p.Tyr251Cys). In summary, the available evidence is currently insufficient to determine the role of this variant in disease. Therefore, it has been classified as a Variant of Uncertain Significance. Algorithms developed to predict the effect of sequence changes on RNA splicing suggest that this variant may create or strengthen a splice site. Advanced modeling of protein sequence and biophysical properties (such as structural, functional, and spatial information, amino acid conservation, physicochemical variation, residue mobility, and thermodynamic stability) performed at Invitae indicates that this missense variant is not expected to disrupt LBR protein function. This variant has not been reported in the literature in individuals affected with LBR-related conditions. This variant is not present in population databases (gnomAD no frequency).